The following is an entry in ClinVar:

NM_001136157.2(OTUD5):c.681G>A (p.Arg227=)

Gene: OTUD5 (OTU deubiquitinase 5; minus strand). Cytogenetic location: Xp11.23.
Variant type: single nucleotide variant.
Coding change: c.681G>A on transcript NM_001136157.2 (MANE Select); coding-DNA position 681, G replaced by A.
Protein change: p.Arg227=; no amino-acid change (arginine 227 retained).
Molecular consequence: synonymous variant.
Genome position (GRCh38, 1-based): chrX:48,944,197, C>T on the plus strand (G>A on the coding strand, the complement: OTUD5 is on the minus strand). VCF-style: chrX-48944197-C-T. GRCh37 (hg19) VCF-style: chrX-48801458-C-T.
Other names: c.681G>A, p.Arg227= (NM_001136158.2, NM_017602.4); c.30G>A, p.Arg10= (NM_001136159.2).
Identifiers: ClinVar variation 3351764 (VCV003351764.1).

ClinVar aggregate classification (germline): Likely benign (0 of 4 stars; one submission).

Conditions:
OTUD5-related disorder. Also called: OTUD5-related condition.

gnomAD v4.1: 6 of 1,200,200 alleles (0.0005%); highest among the groups gnomAD compares: Non-Finnish European, 0.00068%; no homozygotes.

Submission:

PreventionGenetics, part of Exact Sciences
Classification: Likely benign for OTUD5-related condition. Last evaluated: 2024-04-25. Review status: no assertion criteria provided. Collection method: clinical testing. Allele origin: germline.
Comment: This variant is classified as likely benign based on ACMG/AMP sequence variant interpretation guidelines (Richards et al. 2015 PMID: 25741868, with internal and published modifications).